The following is an entry in ClinVar:

ClinVar aggregate classification (germline): Conflicting classifications of pathogenicity. Review status: criteria provided, conflicting classifications (1 of 4 stars). 4 submissions from 4 submitters: Pathogenic (1); Likely pathogenic (1); Uncertain significance (2). Last evaluated 2025-11-16.

Conditions:
Pigmentary pallidal degeneration (NBIA1). Also called: Neuroaxonal dystrophy, late infantile; Hallervorden-Spatz disease; PKAN NEUROAXONAL DYSTROPHY, JUVENILE-ONSET; Pantothenate Kinase-Associated Neurodegeneration; HARP SYNDROME; Neurodegeneration with brain iron accumulation 1. Identifiers: Orphanet 157850, MedGen C0018523, MONDO:0009319, OMIM 234200.

Allele frequency attached by ClinVar (database versions not stated): ExAC 0.00001; gnomAD exomes 0.00002 and 0.00004; TOPMed 0.00002; gnomAD 0.00003 and 0.00004.
gnomAD v4.1: 58 of 1,614,154 alleles (0.0036%); highest among the groups gnomAD compares: Non-Finnish European, 0.0047%; no homozygotes.

Submissions (4):

Labcorp Genetics (formerly Invitae), Labcorp
Classification: Pathogenic for Pigmentary pallidal degeneration. Last evaluated: 2025-11-16. Review status: criteria provided, single submitter. Criteria: Invitae Variant Classification Sherloc (09022015). Collection method: clinical testing. Allele origin: germline.
Comment: This sequence change replaces isoleucine, which is neutral and non-polar, with valine, which is neutral and non-polar, at codon 529 of the PANK2 protein (p.Ile529Val). This variant is present in population databases (rs761156912, gnomAD 0.004%). This missense change has been observed in individual(s) with clinical features of pantothenate kinase-associated neurodegeneration (PMID: 16023068, 16450344; internal data). In at least one individual the data is consistent with being in trans (on the opposite chromosome) from a pathogenic variant. ClinVar contains an entry for this variant (Variation ID: 642654). Invitae Evidence Modeling of protein sequence and biophysical properties (such as structural, functional, and spatial information, amino acid conservation, physicochemical variation, residue mobility, and thermodynamic stability) has been performed for this missense variant. However, the output from this modeling did not meet the statistical confidence thresholds required to predict the impact of this variant on PANK2 protein function. Experimental studies have shown that this missense change does not substantially affect PANK2 function (PMID: 16450344). For these reasons, this variant has been classified as Pathogenic.

Women's Health and Genetics/Laboratory Corporation of America, LabCorp
Classification: Likely pathogenic for Pigmentary pallidal degeneration. Last evaluated: 2025-05-23. Review status: criteria provided, single submitter. Criteria: LabCorp Variant Classification Summary - May 2015. Collection method: clinical testing. Allele origin: germline.
Comment: Variant summary: PANK2 c.1585A>G (p.Ile529Val) results in a conservative amino acid change in the encoded protein sequence. Algorithms developed to predict the effect of missense changes on protein structure and function are either unavailable or do not agree on the potential impact of this missense change. The variant allele was found at a frequency of 2e-05 in 251486 control chromosomes. c.1585A>G has been observed in individual(s) affected with Pantothenate Kinase-Associated Neurodegeneration (Egan_2005, Liang_2006, LCG internal data). These data indicate that the variant is likely to be associated with disease. At least one publication reports experimental evidence evaluating an impact on protein function. These results showed no significant damaging effect of this variant (Liang_2006). The following publications have been ascertained in the context of this evaluation (PMID: 16023068, 16450344). ClinVar contains an entry for this variant (Variation ID: 642654). Based on the evidence outlined above, the variant was classified as likely pathogenic.

Blueprint Genetics
Classification: Uncertain significance. Last evaluated: 2024-07-09. Review status: criteria provided, single submitter. Criteria: ACMG Guidelines, 2015. Collection method: clinical testing. Allele origin: germline.

Mayo Clinic Laboratories, Mayo Clinic
Classification: Uncertain significance. Last evaluated: 2024-02-23. Review status: criteria provided, single submitter. Criteria: ACMG Guidelines, 2015. Collection method: clinical testing. Allele origin: germline. Observed: 1 variant allele.
Comment: BS3, PP1, PM2, PM3

Literature cited by the submitters: PubMed 16023068 (cited by 3 submitters); PubMed 16450344 (cited by 3 submitters); PubMed 31540697 (cited by Mayo Clinic Laboratories, Mayo Clinic).

NM_001386393.1(PANK2):c.1255A>G (p.Ile419Val)

Gene: PANK2 (pantothenate kinase 2; plus strand). Cytogenetic location: 20p13.
Variant type: single nucleotide variant.
Coding change: c.1255A>G on transcript NM_001386393.1 (MANE Select); coding-DNA position 1255, A replaced by G.
Protein change: p.Ile419Val; replaces isoleucine 419 with valine.
Molecular consequence: missense variant. On other transcripts: non-coding transcript variant (1).
Genome position (GRCh38, 1-based): chr20:3,918,719, A>G. VCF-style: chr20-3918719-A-G. GRCh37 (hg19) VCF-style: chr20-3899366-A-G.
Other names: p.Ile529Val; c.1585A>G (NM_153638.3); c.712A>G, p.Ile238Val (NM_001324191.2, NM_024960.6, NM_153640.4); c.277A>G, p.Ile93Val (NM_001324193.2); c.1585A>G, p.Ile529Val (NM_153638.4); short protein forms I93V, I529V, I238V, I419V.
Identifiers: ClinVar variation 642654 (VCV000642654.14), dbSNP rs761156912, ClinGen allele CA9750929.